The following is an entry in ClinVar:

NM_000558.3(HBA1):c.19G>T (p.Asp7Tyr)

Genes: HBA1 (hemoglobin subunit alpha 1; plus strand), LOC106804613 (hemoglobin subunit alpha 1 recombination region; plus strand). Cytogenetic location: 16p13.3.
Variant type: single nucleotide variant.
Coding change: c.19G>T on transcript NM_000558.3; coding-DNA position 19, G replaced by T.
Protein change: p.Asp7Tyr; replaces aspartic acid 7 with tyrosine.
Molecular consequence: missense variant (on NM_000558.5).
Genome position (GRCh38, 1-based): chr16:176,735, G>T. VCF-style: chr16-176735-G-T. GRCh37 (hg19) VCF-style: chr16-226734-G-T.
Other names: D6Y; c.19G>T, p.Asp7Tyr (NM_000558.5); short protein forms D7Y.
Identifiers: ClinVar variation 15835 (VCV000015835.3), dbSNP rs33961916, ClinGen allele CA125925.

ClinVar aggregate classification (germline): Uncertain significance. Review status: criteria provided, single submitter (1 of 4 stars). 2 submissions from 2 submitters: Uncertain significance (1). 1 of the submissions does not count toward it. Last evaluated 2024-12-16.

Conditions:
HEMOGLOBIN WOODVILLE.

Submissions (2):

Women's Health and Genetics/Laboratory Corporation of America, LabCorp
Classification: Uncertain significance. Last evaluated: 2024-12-16. Review status: criteria provided, single submitter. Criteria: LabCorp Variant Classification Summary - May 2015. Collection method: clinical testing. Allele origin: germline.
Comment: Variant summary: HBA1 c.19G>T (p.Asp7Tyr) results in a non-conservative amino acid change in the encoded protein sequence. Four of four in-silico tools predict a damaging effect of the variant on protein function. The frequency data for this variant in gnomAD is considered unreliable, as metrics indicate poor data quality at this position. c.19G>T also known as Hb Woodville has been reported in individuals who had screening for thalassaemia and haemoglobinopathies (example: Viprakasit_2006, Mansini_2015). Carriers of Hb Woodville appear to have normal haematology without apparent abnormal clinical findings, suggesting that this variant is benign (Viprakasit_2006). These report(s) do not provide unequivocal conclusions about association of the variant with Alpha Thalassemia. To our knowledge, no experimental evidence demonstrating an impact on protein function has been reported. The following publications have been ascertained in the context of this evaluation (PMID: 16343275, 26707665). ClinVar contains an entry for this variant (Variation ID: 15835). Based on the evidence outlined above, the variant was classified as uncertain significance.

OMIM
Classification: other for HEMOGLOBIN WOODVILLE. Last evaluated: 2016-07-20. Review status: no assertion criteria provided. Collection method: literature only. Allele origin: germline. Not counted in ClinVar's aggregate classification.

Literature cited by the submitters: PubMed 26707665 (cited by Women's Health and Genetics/Laboratory Corporation of America, LabCorp); PubMed 16343275 (cited by Women's Health and Genetics/Laboratory Corporation of America, LabCorp); PubMed 3754246 (cited by OMIM).